The following is an entry in ClinVar:

ClinVar aggregate classification (germline): Pathogenic (1 of 4 stars; one submission).

Conditions:
Duchenne muscular dystrophy (DMD). Also called: MUSCULAR DYSTROPHY, PSEUDOHYPERTROPHIC PROGRESSIVE, DUCHENNE TYPE; Duchenne Muscular Dystrophy (DMD). Identifiers: Orphanet 98896, MedGen C0013264, MONDO:0010679, OMIM 310200.

Submission:

Labcorp Genetics (formerly Invitae), Labcorp
Classification: Pathogenic for Duchenne muscular dystrophy. Last evaluated: 2025-04-30. Review status: criteria provided, single submitter. Criteria: Invitae Variant Classification Sherloc (09022015). Collection method: clinical testing. Allele origin: germline.
Comment: This sequence change creates a premature translational stop signal (p.Arg1955Leufs*24) in the DMD gene. It is expected to result in an absent or disrupted protein product. Loss-of-function variants in DMD are known to be pathogenic (PMID: 16770791, 25007885). This variant is not present in population databases (gnomAD no frequency). This variant has not been reported in the literature in individuals affected with DMD-related conditions. For these reasons, this variant has been classified as Pathogenic.

Literature cited by the submitters: PubMed 16770791; PubMed 25007885.

NM_004006.3(DMD):c.5864_5876del (p.Arg1955fs)

Gene: DMD (dystrophin; minus strand). Cytogenetic location: Xp21.1.
Variant type: Deletion.
Coding change: c.5864_5876del on transcript NM_004006.3 (MANE Select); coding-DNA positions 5864 to 5876, 13 bases deleted (GCTGGCGGGAAAT).
Protein change: p.Arg1955fs; shifts the reading frame from arginine 1955.
Molecular consequence: frameshift variant.
Genome position (GRCh38, 1-based): chrX:32,342,146-32,342,158, ATTTCCCGCCAGC deleted on the plus strand (GCTGGCGGGAAAT on the coding strand, the reverse complement: DMD is on the minus strand). VCF-style (leftmost placement, unchanged base first): chrX-32342145-AATTTCCCGCCAGC-A. GRCh37 (hg19) VCF-style: chrX-32360262-AATTTCCCGCCAGC-A.
Other names: c.5840_5852del, p.Arg1947fs (NM_000109.4); c.5852_5864del, p.Arg1951fs (NM_004009.3); c.5495_5507del, p.Arg1832fs (NM_004010.3); c.1841_1853del, p.Arg614fs (NM_004011.4); c.1832_1844del, p.Arg611fs (NM_004012.4); short protein forms R1955fs, R614fs, R1832fs, R1951fs, R1947fs, R611fs.
Identifiers: ClinVar variation 4718698 (VCV004718698.1).